The following is an entry in ClinVar:

NM_024747.6(HPS6):c.43G>A (p.Ala15Thr)

Genes: HPS6 (HPS6 biogenesis of lysosomal organelles complex 2 subunit 3; plus strand), LOC130004578 (ATAC-STARR-seq lymphoblastoid silent region 2738; plus strand). Cytogenetic location: 10q24.32.
Variant type: single nucleotide variant.
Coding change: c.43G>A on transcript NM_024747.6 (MANE Select); coding-DNA position 43, G replaced by A.
Protein change: p.Ala15Thr; replaces alanine 15 with threonine.
Molecular consequence: missense variant.
Genome position (GRCh38, 1-based): chr10:102,065,517, G>A. VCF-style: chr10-102065517-G-A. GRCh37 (hg19) VCF-style: chr10-103825274-G-A.
Other names: short protein forms A15T.
Identifiers: ClinVar variation 1351754 (VCV001351754.8), dbSNP rs763200574, ClinGen allele CA5659730.

ClinVar aggregate classification (germline): Uncertain significance (1 of 4 stars; one submission).

Allele frequency attached by ClinVar (database versions not stated): gnomAD exomes below 0.00001 and 0.00001; ExAC 0.00003.

Submission:

Labcorp Genetics (formerly Invitae), Labcorp
Classification: Uncertain significance. Last evaluated: 2021-05-06. Review status: criteria provided, single submitter. Criteria: Invitae Variant Classification Sherloc (09022015). Collection method: clinical testing. Allele origin: germline.
Comment: In summary, the available evidence is currently insufficient to determine the role of this variant in disease. Therefore, it has been classified as a Variant of Uncertain Significance. Algorithms developed to predict the effect of missense changes on protein structure and function (SIFT, PolyPhen-2, Align-GVGD) all suggest that this variant is likely to be tolerated, but these predictions have not been confirmed by published functional studies and their clinical significance is uncertain. This variant has not been reported in the literature in individuals with HPS6-related conditions. This variant is present in population databases (rs763200574, ExAC 0.01%). This sequence change replaces alanine with threonine at codon 15 of the HPS6 protein (p.Ala15Thr). The alanine residue is weakly conserved and there is a small physicochemical difference between alanine and threonine.